The following is an entry in ClinVar:

ClinVar aggregate classification (germline): Likely pathogenic (1 of 4 stars; one submission).

Submission:

Labcorp Genetics (formerly Invitae), Labcorp
Classification: Likely pathogenic. Last evaluated: 2022-08-09. Review status: criteria provided, single submitter. Criteria: Invitae Variant Classification Sherloc (09022015). Collection method: clinical testing. Allele origin: germline.
Comment: This sequence change affects an acceptor splice site in intron 80 of the ADGRV1 gene. It is expected to disrupt RNA splicing. Variants that disrupt the donor or acceptor splice site typically lead to a loss of protein function (PMID: 16199547), and loss-of-function variants in ADGRV1 are known to be pathogenic (PMID: 19357117, 22135276, 22147658, 26226137, 30718709, 31047384, 32467589). In summary, the currently available evidence indicates that the variant is pathogenic, but additional data are needed to prove that conclusively. Therefore, this variant has been classified as Likely Pathogenic. Algorithms developed to predict the effect of sequence changes on RNA splicing suggest that this variant may disrupt the consensus splice site. ClinVar contains an entry for this variant (Variation ID: 1478489). This variant has not been reported in the literature in individuals affected with ADGRV1-related conditions. This variant is not present in population databases (gnomAD no frequency).

Literature cited by the submitters: PubMed 16199547; PubMed 19357117; PubMed 22135276; PubMed 22147658; PubMed 26226137; PubMed 30718709; PubMed 31047384; PubMed 32467589.

NM_032119.4(ADGRV1):c.17455-2A>G

Gene: ADGRV1 (adhesion G protein-coupled receptor V1; plus strand). Cytogenetic location: 5q14.3.
Variant type: single nucleotide variant.
Coding change: c.17455-2A>G on transcript NM_032119.4 (MANE Select); the canonical splice acceptor site of the intron before coding-DNA position 17455, A replaced by G.
Molecular consequence: splice acceptor variant.
Genome position (GRCh38, 1-based): chr5:90,854,060, A>G. VCF-style: chr5-90854060-A-G. GRCh37 (hg19) VCF-style: chr5-90149877-A-G.
Identifiers: ClinVar variation 1478489 (VCV001478489.6), dbSNP rs1279862720, ClinGen allele CA360430416.